The following is an entry in ClinVar:

NM_001374736.1(DST):c.4224A>C (p.Glu1408Asp)

Gene: DST (dystonin; minus strand). Cytogenetic location: 6p12.1.
Variant type: single nucleotide variant.
Coding change: c.4224A>C on transcript NM_001374736.1 (MANE Select); coding-DNA position 4224, A replaced by C.
Protein change: p.Glu1408Asp; replaces glutamic acid 1408 with aspartic acid.
Molecular consequence: missense variant.
Genome position (GRCh38, 1-based): chr6:56,630,302, T>G on the plus strand (A>C on the coding strand, the complement: DST is on the minus strand). VCF-style: chr6-56630302-T-G. GRCh37 (hg19) VCF-style: chr6-56495100-T-G.
Other names: c.4125A>C, p.Glu1375Asp (NM_001144769.5); c.3711A>C, p.Glu1237Asp (NM_001144770.2); c.4224A>C, p.Glu1408Asp (NM_001374722.1); c.3591A>C, p.Glu1197Asp (NM_001374729.1, NM_001374730.1, NM_001386100.1 and 1 more transcripts); c.4251A>C, p.Glu1417Asp (NM_001374734.1); c.2613A>C, p.Glu871Asp (NM_001723.7, NM_015548.5); short protein forms E1197D, E1237D, E1375D, E1408D, E1417D, E871D.
Identifiers: ClinVar variation 1718643 (VCV001718643.6), dbSNP rs920507560, ClinGen allele CA139215291.
Genomic context (GRCh38, chr6:56,630,302, plus strand): 5'-TACCTTTAAAGTACTTATTAGATTCTCAATATTATTCTTGTCAGCTATAACTGCTTCTTC[T>G]TCACACAGTTTAGTTTCATAGAGTTTTACGAGGGCTTCTGCAGCTTGAGTGTTTTTTAAC-3'
Protein context (NP_001361665.1, residues 1398-1418): LVKLYETKLC[Glu1408Asp]EEAVIADKNN

ClinVar aggregate classification (germline): Uncertain significance (1 of 4 stars; one submission).

Conditions:
Hereditary sensory and autonomic neuropathy type 6. Also called: HSAN VI; Neuropathy, hereditary sensory and autonomic, type VI. Identifiers: Orphanet 314381, MedGen C3539003, MONDO:0013839, OMIM 614653.
Epidermolysis bullosa simplex 3, localized or generalized intermediate, with BP230 deficiency (EBS3). Also called: Epidermolysis bullosa simplex due to BP230 deficiency; Epidermolysis bullosa simplex, autosomal recessive 2. Identifiers: Orphanet 412181, MedGen C3809470, MONDO:0014180, OMIM 615425.

Submission:

Labcorp Genetics (formerly Invitae), Labcorp
Classification: Uncertain significance for Epidermolysis bullosa simplex 3, localized or generalized intermediate, with BP230 deficiency; Hereditary sensory and autonomic neuropathy type 6. Last evaluated: 2022-09-02. Review status: criteria provided, single submitter. Criteria: Invitae Variant Classification Sherloc (09022015). Collection method: clinical testing. Allele origin: germline.
Comment: In summary, the available evidence is currently insufficient to determine the role of this variant in disease. Therefore, it has been classified as a Variant of Uncertain Significance. Algorithms developed to predict the effect of missense changes on protein structure and function (SIFT, PolyPhen-2, Align-GVGD) all suggest that this variant is likely to be disruptive. This variant has not been reported in the literature in individuals affected with DST-related conditions. This variant is not present in population databases (gnomAD no frequency). This sequence change replaces glutamic acid, which is acidic and polar, with aspartic acid, which is acidic and polar, at codon 871 of the DST protein (p.Glu871Asp).